The following is an entry in ClinVar:

NM_016026.4(RDH11):c.946C>G (p.Pro316Ala)

Genes: GPHN (gephyrin; plus strand), RDH11 (retinol dehydrogenase 11; minus strand). Cytogenetic location: 14q24.1.
Variant type: single nucleotide variant.
Coding change: c.946C>G on transcript NM_016026.4 (MANE Select); coding-DNA position 946, C replaced by G.
Protein change: p.Pro316Ala; replaces proline 316 with alanine.
Molecular consequence: missense variant.
Genome position (GRCh38, 1-based): chr14:67,678,332, G>C on the plus strand (C>G on the coding strand, the complement: RDH11 is on the minus strand). VCF-style: chr14-67678332-G-C. GRCh37 (hg19) VCF-style: chr14-68145049-G-C.
Other names: c.736C>G, p.Pro246Ala (NM_001252650.2); short protein forms P246A, P316A.
Identifiers: ClinVar variation 1498804 (VCV001498804.6), dbSNP rs17852376, ClinGen allele CA262790723.

ClinVar aggregate classification (germline): Uncertain significance. Review status: criteria provided, multiple submitters, no conflicts (2 of 4 stars). 2 submissions from 2 submitters: Uncertain significance (2). Last evaluated 2024-09-14.

Allele frequency attached by ClinVar (database versions not stated): gnomAD exomes below 0.00001 and 0.00005; gnomAD 0.00002; TOPMed 0.00002; ESP Exome Variant Server 0.00008.
gnomAD v4.1: 86 of 1,611,072 alleles (0.0053%); highest among the groups gnomAD compares: Non-Finnish European, 0.0065%; no homozygotes.

Submissions (2):

Blueprint Genetics
Classification: Uncertain significance. Last evaluated: 2024-09-14. Review status: criteria provided, single submitter. Criteria: ACMG Guidelines, 2015. Collection method: clinical testing. Allele origin: germline.

Labcorp Genetics (formerly Invitae), Labcorp
Classification: Uncertain significance. Last evaluated: 2022-10-24. Review status: criteria provided, single submitter. Criteria: Invitae Variant Classification Sherloc (09022015). Collection method: clinical testing. Allele origin: germline.
Comment: Algorithms developed to predict the effect of missense changes on protein structure and function (SIFT, PolyPhen-2, Align-GVGD) all suggest that this variant is likely to be tolerated. This sequence change replaces proline, which is neutral and non-polar, with alanine, which is neutral and non-polar, at codon 316 of the RDH11 protein (p.Pro316Ala). This variant is present in population databases (rs17852376, gnomAD 0.007%). This variant has not been reported in the literature in individuals affected with RDH11-related conditions. ClinVar contains an entry for this variant (Variation ID: 1498804). In summary, the available evidence is currently insufficient to determine the role of this variant in disease. Therefore, it has been classified as a Variant of Uncertain Significance.